The following is an entry in ClinVar:

NM_002133.3(HMOX1):c.406C>T (p.Arg136Cys)

Gene: HMOX1 (heme oxygenase 1; plus strand). Cytogenetic location: 22q12.3.
Variant type: single nucleotide variant.
Coding change: c.406C>T on transcript NM_002133.3 (MANE Select); coding-DNA position 406, C replaced by T.
Protein change: p.Arg136Cys; replaces arginine 136 with cysteine.
Molecular consequence: missense variant.
Genome position (GRCh38, 1-based): chr22:35,386,946, C>T. VCF-style: chr22-35386946-C-T. GRCh37 (hg19) VCF-style: chr22-35782939-C-T.
Other names: short protein forms R136C.
Identifiers: ClinVar variation 3698786 (VCV003698786.2).

ClinVar aggregate classification (germline): Uncertain significance (1 of 4 stars; one submission).

gnomAD v4.1: 7 of 1,614,080 alleles (0.00043%); highest among the groups gnomAD compares: East Asian, 0.0022%; no homozygotes.

Submission:

Labcorp Genetics (formerly Invitae), Labcorp
Classification: Uncertain significance. Last evaluated: 2024-03-28. Review status: criteria provided, single submitter. Criteria: Invitae Variant Classification Sherloc (09022015). Collection method: clinical testing. Allele origin: germline.
Comment: This sequence change replaces arginine, which is basic and polar, with cysteine, which is neutral and slightly polar, at codon 136 of the HMOX1 protein (p.Arg136Cys). This variant is present in population databases (no rsID available, gnomAD 0.004%). This variant has not been reported in the literature in individuals affected with HMOX1-related conditions. An algorithm developed to predict the effect of missense changes on protein structure and function (PolyPhen-2) suggests that this variant is likely to be disruptive. In summary, the available evidence is currently insufficient to determine the role of this variant in disease. Therefore, it has been classified as a Variant of Uncertain Significance.